The following is an entry in ClinVar:

NM_002457.5(MUC2):c.12348A>T (p.Pro4116=)

Gene: MUC2 (mucin 2, oligomeric mucus/gel-forming; plus strand). Cytogenetic location: 11p15.5.
Variant type: single nucleotide variant.
Coding change: c.12348A>T on transcript NM_002457.5 (MANE Select); coding-DNA position 12348, A replaced by T.
Protein change: p.Pro4116=; no amino-acid change (proline 4116 retained).
Molecular consequence: synonymous variant.
Genome position (GRCh38, 1-based): chr11:1,099,682, A>T. VCF-style: chr11-1099682-A-T. GRCh37 (hg19) VCF-style: chr11-1093590-A-T.
Identifiers: ClinVar variation 2641146 (VCV002641146.24), dbSNP rs757254136, ClinGen allele CA472383803.

ClinVar aggregate classification (germline): Likely benign (1 of 4 stars; one submission).

Allele frequency attached by ClinVar (database versions not stated): 1000 Genomes Project 30x 0.00016.

Submission:

CeGaT Center for Human Genetics Tuebingen
Classification: Likely benign. Last evaluated: 2023-07-01. Review status: criteria provided, single submitter. Criteria: CeGaT Center For Human Genetics Tuebingen Variant Classification Criteria Version 2. Collection method: clinical testing. Allele origin: germline. Affected: yes. Observed: 1 variant allele.
Comment: MUC2: BP4, BP7